The following is an entry in ClinVar:

ClinVar aggregate classification (germline): Uncertain significance. Review status: criteria provided, multiple submitters, no conflicts (2 of 4 stars). 5 submissions from 5 submitters: Uncertain significance (4). 1 of the submissions does not count toward it. Last evaluated 2026-02-19.

Conditions:
LOXHD1-related disorder. Also called: LOXHD1-related condition.
Autosomal recessive nonsyndromic hearing loss 77. Identifiers: Orphanet 90636, MedGen C2746083, MONDO:0013119, OMIM 613079.

Allele frequency attached by ClinVar (database versions not stated): gnomAD 0.00006 and 0.00005; TOPMed 0.00008; 1000 Genomes Project 0.00020; 1000 Genomes Project 30x 0.00047; gnomAD exomes 0.00004.
gnomAD v4.1: 71 of 1,551,660 alleles (0.0046%); highest among the groups gnomAD compares: East Asian, 0.056%; no homozygotes.

Submissions (5):

PreventionGenetics, part of Exact Sciences
Classification: Uncertain significance for LOXHD1-related condition. Last evaluated: 2026-02-19. Review status: criteria provided, single submitter. Criteria: ACMG Guidelines, 2015. Collection method: clinical testing. Allele origin: germline.
Comment: The LOXHD1 c.1844G>A variant is predicted to result in the amino acid substitution p.Arg615Gln. To our knowledge, this variant has not been reported in the literature. This variant is reported in 0.031% of alleles in individuals of East Asian descent in gnomAD. At this time, the clinical significance of this variant is uncertain due to the absence of conclusive functional and genetic evidence.

Labcorp Genetics (formerly Invitae), Labcorp
Classification: Uncertain significance. Last evaluated: 2022-10-13. Review status: criteria provided, single submitter. Criteria: Invitae Variant Classification Sherloc (09022015). Collection method: clinical testing. Allele origin: germline.
Comment: This sequence change replaces arginine, which is basic and polar, with glutamine, which is neutral and polar, at codon 615 of the LOXHD1 protein (p.Arg615Gln). This variant is present in population databases (rs546893082, gnomAD 0.03%). This variant has not been reported in the literature in individuals affected with LOXHD1-related conditions. ClinVar contains an entry for this variant (Variation ID: 179067). Algorithms developed to predict the effect of missense changes on protein structure and function (SIFT, PolyPhen-2, Align-GVGD) all suggest that this variant is likely to be tolerated. In summary, the available evidence is currently insufficient to determine the role of this variant in disease. Therefore, it has been classified as a Variant of Uncertain Significance.

Genome-Nilou Lab
Classification: Uncertain significance for Autosomal recessive nonsyndromic hearing loss 77. Last evaluated: 2021-06-10. Review status: criteria provided, single submitter. Criteria: ACMG Guidelines, 2015. Collection method: clinical testing. Allele origin: germline. Affected: no.

Laboratory for Molecular Medicine, Mass General Brigham Personalized Medicine
Classification: Uncertain significance. Last evaluated: 2013-07-26. Review status: criteria provided, single submitter. Criteria: LMM Criteria. Collection method: clinical testing. Allele origin: germline. Observed: 1 variant allele.
Comment: The Arg615Gln variant in LOXHD1 has not been reported in individuals with hearin g loss or in large population studies. Computational analyses (biochemical amino acid properties, conservation, AlignGVGD, PolyPhen2, and SIFT) do not provide s trong support for or against an impact to the protein. In summary, additional da ta is needed to determine the clinical significance of this variant.

Natera, Inc.
Classification: Uncertain significance for Autosomal recessive deafness type 77. Last evaluated: 2020-09-16. Review status: no assertion criteria provided. Collection method: clinical testing. Allele origin: germline. Not counted in ClinVar's aggregate classification.

NM_001384474.1(LOXHD1):c.1844G>A (p.Arg615Gln)

Gene: LOXHD1 (lipoxygenase homology PLAT domains 1; minus strand). Cytogenetic location: 18q21.1.
Variant type: single nucleotide variant.
Coding change: c.1844G>A on transcript NM_001384474.1 (MANE Select); coding-DNA position 1844, G replaced by A.
Protein change: p.Arg615Gln; replaces arginine 615 with glutamine.
Molecular consequence: missense variant.
Genome position (GRCh38, 1-based): chr18:46,577,833, C>T on the plus strand (G>A on the coding strand, the complement: LOXHD1 is on the minus strand). VCF-style: chr18-46577833-C-T. GRCh37 (hg19) VCF-style: chr18-44157796-C-T.
Other names: c.1844G>A, p.Arg615Gln (NM_144612.7); short protein forms R615Q.
Identifiers: ClinVar variation 179067 (VCV000179067.12), dbSNP rs546893082, ClinGen allele CA183664.